The following is an entry in ClinVar:

ClinVar aggregate classification (germline): Uncertain significance. Review status: criteria provided, multiple submitters, no conflicts (2 of 4 stars). 2 submissions from 2 submitters: Uncertain significance (2). Last evaluated 2025-11-10.

Conditions:
RASopathy. Also called: rasopathies; Noonan spectrum disorder. Identifiers: Orphanet 536391, MedGen C5555857, MONDO:0021060.
Cardiovascular phenotype. Identifiers: MedGen CN230736.

Allele frequency attached by ClinVar (database versions not stated): gnomAD exomes below 0.00001; ExAC 0.00001; gnomAD 0.00001; TOPMed 0.00001.
gnomAD v4.1: 3 of 1,613,978 alleles (0.00019%); highest among the groups gnomAD compares: African/African-American, 0.004%; no homozygotes.

Submissions (2):

Labcorp Genetics (formerly Invitae), Labcorp
Classification: Uncertain significance for RASopathy. Last evaluated: 2025-11-10. Review status: criteria provided, single submitter. Criteria: Invitae Variant Classification Sherloc (09022015). Collection method: clinical testing. Allele origin: germline.
Comment: This sequence change replaces serine, which is neutral and polar, with asparagine, which is neutral and polar, at codon 58 of the SHOC2 protein (p.Ser58Asn). The frequency data for this variant in the population databases is considered unreliable, as metrics indicate poor data quality at this position in the gnomAD database. This variant has not been reported in the literature in individuals affected with SHOC2-related conditions. ClinVar contains an entry for this variant (Variation ID: 2079868). Invitae Evidence Modeling of protein sequence and biophysical properties (such as structural, functional, and spatial information, amino acid conservation, physicochemical variation, residue mobility, and thermodynamic stability) indicates that this missense variant is not expected to disrupt SHOC2 protein function with a negative predictive value of 80%. In summary, the available evidence is currently insufficient to determine the role of this variant in disease. Therefore, it has been classified as a Variant of Uncertain Significance.

Ambry Genetics
Classification: Uncertain significance for Cardiovascular phenotype. Last evaluated: 2023-01-05. Review status: criteria provided, single submitter. Criteria: Ambry Variant Classification Scheme 2023. Collection method: clinical testing. Allele origin: germline.
Comment: The p.S58N variant (also known as c.173G>A), located in coding exon 1 of the SHOC2 gene, results from a G to A substitution at nucleotide position 173. The serine at codon 58 is replaced by asparagine, an amino acid with highly similar properties. This amino acid position is conserved. In addition, the in silico prediction for this alteration is inconclusive. Since supporting evidence is limited at this time, the clinical significance of this alteration remains unclear.

NM_007373.4(SHOC2):c.173G>A (p.Ser58Asn)

Gene: SHOC2 (SHOC2 leucine rich repeat scaffold protein; plus strand). Cytogenetic location: 10q25.2.
Variant type: single nucleotide variant.
Coding change: c.173G>A on transcript NM_007373.4 (MANE Select); coding-DNA position 173, G replaced by A.
Protein change: p.Ser58Asn; replaces serine 58 with asparagine.
Molecular consequence: missense variant.
Genome position (GRCh38, 1-based): chr10:110,964,531, G>A. VCF-style: chr10-110964531-G-A. GRCh37 (hg19) VCF-style: chr10-112724289-G-A.
Other names: c.173G>A, p.Ser58Asn (NM_001269039.3, NM_001324336.2, NM_001324337.2); short protein forms S58N.
Identifiers: ClinVar variation 2079868 (VCV002079868.6), dbSNP rs747978285, ClinGen allele CA5689560.